The following is an entry in ClinVar:

ClinVar aggregate classification (germline): Uncertain significance (1 of 4 stars; one submission).

Submission:

GeneDx
Classification: Uncertain significance. Last evaluated: 2025-03-26. Review status: criteria provided, single submitter. Criteria: GeneDx Variant Classification Process June 2021. Collection method: clinical testing. Allele origin: germline. Affected: yes.
Comment: Not observed at significant frequency in large population cohorts (gnomAD); In silico analysis indicates that this missense variant does not alter protein structure/function; Has not been previously published as pathogenic or benign to our knowledge

NM_006885.4(ZFHX3):c.1277G>C (p.Ser426Thr)

Gene: ZFHX3 (zinc finger homeobox 3; minus strand). Cytogenetic location: 16q22.3.
Variant type: single nucleotide variant.
Coding change: c.1277G>C on transcript NM_006885.4 (MANE Select); coding-DNA position 1277, G replaced by C.
Protein change: p.Ser426Thr; replaces serine 426 with threonine.
Molecular consequence: missense variant. On other transcripts: intron variant (1).
Genome position (GRCh38, 1-based): chr16:72,958,869, C>G on the plus strand (G>C on the coding strand, the complement: ZFHX3 is on the minus strand). VCF-style: chr16-72958869-C-G. GRCh37 (hg19) VCF-style: chr16-72992768-C-G.
Other names: c.1277G>C, p.Ser426Thr (NM_001386735.1); c.-23-7904G>C (NM_001164766.2); short protein forms S426T.
Identifiers: ClinVar variation 4278703 (VCV004278703.1).